The following is an entry in ClinVar:

NM_007315.4(STAT1):c.1632+10G>T

Gene: STAT1 (signal transducer and activator of transcription 1; minus strand). Cytogenetic location: 2q32.2.
Variant type: single nucleotide variant.
Coding change: c.1632+10G>T on transcript NM_007315.4 (MANE Select); 10 bases into the intron after coding-DNA position 1632, G replaced by T.
Molecular consequence: intron variant.
Genome position (GRCh38, 1-based): chr2:190,980,610, C>A on the plus strand (G>T on the coding strand, the complement: STAT1 is on the minus strand). VCF-style: chr2-190980610-C-A. GRCh37 (hg19) VCF-style: chr2-191845336-C-A.
Other names: c.1542+10G>T (NM_001384890.1); c.1533+10G>T (NM_001384883.1); c.1473+10G>T (NM_001384885.1); c.1539+10G>T (NM_001384887.1); c.1572+10G>T (NM_001384880.1); c.1602+10G>T (NM_001384888.1); c.1626+10G>T (NM_001384882.1); c.1632+10G>T (NM_001384889.1, NM_001384886.1, NM_139266.3); and 2 more.
Identifiers: ClinVar variation 3038768 (VCV003038768.3), dbSNP rs765556713, ClinGen allele CA1316275914.
Genomic context (GRCh38, chr2:190,980,610, plus strand): 5'-GCAAGAAACATGAGAACCTCAACCAAGAGCAAAAAGGACTTAGAGAGCATAAAACCCAGA[C>A]AGTCCTCACCTTACAAAACCTCGTCCACGGAATGAGACCATCGGGGCTGGCGTTAGGACC-3'

ClinVar aggregate classification (germline): Likely benign. Review status: criteria provided, single submitter (1 of 4 stars). 2 submissions from 2 submitters: Likely benign (1). 1 of the submissions does not count toward it. Last evaluated 2025-06-11.

Conditions:
STAT1-related disorder. Also called: STAT1-related condition.
Immunodeficiency 31B. Also called: IMMUNODEFICIENCY 31B, MYCOBACTERIAL AND VIRAL INFECTIONS, AUTOSOMAL RECESSIVE; STAT1 DEFICIENCY, AUTOSOMAL RECESSIVE. Identifiers: Orphanet 391311, MedGen C3151088, MONDO:0013427, OMIM 613796.
Autoimmune enteropathy and endocrinopathy - susceptibility to chronic infections syndrome. Also called: Immunodeficiency 31C; Immunodeficiency 31C, autosomal dominant. Identifiers: Orphanet 391487, MedGen C3279990, MONDO:0013599, OMIM 614162.
Mendelian susceptibility to mycobacterial diseases due to partial STAT1 deficiency. Also called: IMMUNODEFICIENCY 31A, MYCOBACTERIOSIS, AUTOSOMAL DOMINANT; STAT1 DEFICIENCY, AUTOSOMAL DOMINANT; Immunodeficiency 31a. Identifiers: Orphanet 319595, MedGen C4013950, MONDO:0013956, OMIM 614892.

gnomAD v4.1: 1 of 1,614,134 alleles (0.000062%); no homozygotes.

Submissions (2):

Labcorp Genetics (formerly Invitae), Labcorp
Classification: Likely benign for Mendelian susceptibility to mycobacterial diseases due to partial STAT1 deficiency; Immunodeficiency 31B; Autoimmune enteropathy and endocrinopathy - susceptibility to chronic infections syndrome. Last evaluated: 2025-06-11. Review status: criteria provided, single submitter. Criteria: Invitae Variant Classification Sherloc (09022015). Collection method: clinical testing. Allele origin: germline.

PreventionGenetics, part of Exact Sciences
Classification: Likely benign for STAT1-related condition. Last evaluated: 2019-05-23. Review status: no assertion criteria provided. Collection method: clinical testing. Allele origin: germline. Not counted in ClinVar's aggregate classification.
Comment: This variant is classified as likely benign based on ACMG/AMP sequence variant interpretation guidelines (Richards et al. 2015 PMID: 25741868, with internal and published modifications).